The following is an entry in ClinVar:

NM_002358.4(MAD2L1):c.27G>A (p.Gln9=)

Gene: MAD2L1 (mitotic arrest deficient 2 like 1; minus strand). Cytogenetic location: 4q27.
Variant type: single nucleotide variant.
Coding change: c.27G>A on transcript NM_002358.4 (MANE Select); coding-DNA position 27, G replaced by A.
Protein change: p.Gln9=; no amino-acid change (glutamine 9 retained).
Molecular consequence: synonymous variant.
Genome position (GRCh38, 1-based): chr4:120,066,708, C>T on the plus strand (G>A on the coding strand, the complement: MAD2L1 is on the minus strand). VCF-style: chr4-120066708-C-T. GRCh37 (hg19) VCF-style: chr4-120987863-C-T.
Identifiers: ClinVar variation 2655059 (VCV002655059.24), dbSNP rs1431562411, ClinGen allele CA441066942.

ClinVar aggregate classification (germline): Likely benign (1 of 4 stars; one submission).

Allele frequency attached by ClinVar (database versions not stated): gnomAD exomes below 0.00001.

Submission:

CeGaT Center for Human Genetics Tuebingen
Classification: Likely benign. Last evaluated: 2022-11-01. Review status: criteria provided, single submitter. Criteria: CeGaT Center For Human Genetics Tuebingen Variant Classification Criteria Version 2. Collection method: clinical testing. Allele origin: germline. Affected: yes. Observed: 1 variant allele.
Comment: MAD2L1: BP4, BP7